The following is an entry in ClinVar:

ClinVar aggregate classification (germline): Uncertain significance (1 of 4 stars; one submission).

gnomAD v4.1: 19 of 1,611,756 alleles (0.0012%); highest among the groups gnomAD compares: African/African-American, 0.023%; no homozygotes.

Submission:

Labcorp Genetics (formerly Invitae), Labcorp
Classification: Uncertain significance. Last evaluated: 2025-12-11. Review status: criteria provided, single submitter. Criteria: Invitae Variant Classification Sherloc (09022015). Collection method: clinical testing. Allele origin: germline.
Comment: This sequence change replaces arginine, which is basic and polar, with lysine, which is basic and polar, at codon 104 of the BLK protein (p.Arg104Lys). The frequency data for this variant in the population databases is considered unreliable, as metrics indicate poor data quality at this position in the gnomAD database. This variant has not been reported in the literature in individuals affected with BLK-related conditions. An algorithm developed to predict the effect of missense changes on protein structure and function (PolyPhen-2) suggests that this variant is likely to be tolerated. In summary, the available evidence is currently insufficient to determine the role of this variant in disease. Therefore, it has been classified as a Variant of Uncertain Significance.

NM_001715.3(BLK):c.311G>A (p.Arg104Lys)

Gene: BLK (BLK proto-oncogene, Src family tyrosine kinase). Cytogenetic location: 8p23.1.
Variant type: single nucleotide variant.
Coding change: c.311G>A on transcript NM_001715.3 (MANE Select); coding-DNA position 311, G replaced by A.
Protein change: p.Arg104Lys; replaces arginine 104 with lysine.
Molecular consequence: missense variant.
Genome position (GRCh38, 1-based): chr8:11,549,065, G>A. VCF-style: chr8-11549065-G-A. GRCh37 (hg19) VCF-style: chr8-11406574-G-A.
Other names: c.98G>A, p.Arg33Lys (NM_001330465.2); short protein forms R104K, R33K.
Identifiers: ClinVar variation 4690642 (VCV004690642.1).
Genomic context (GRCh38, chr8:11,549,065, plus strand): 5'-TTTCCCCTGCTCCCATTAGAACTGGAGACTGGTGGCTGGCCAGGTCACTCGTCACAGGAA[G>A]AGAAGGCTATGTGCCCAGTAACTTTGTGGCCCGAGTGGAGAGCCTGGAAATGGAAAGGTA-3'
Protein context (NP_001706.2, residues 94-114): WWLARSLVTG[Arg104Lys]EGYVPSNFVA